The following is an entry in ClinVar:

ClinVar aggregate classification (germline): Uncertain significance (1 of 4 stars; one submission).

Conditions:
Ataxia-telangiectasia syndrome (AT). Also called: ATAXIA-TELANGIECTASIA, COMPLEMENTATION GROUP A; Ataxia telangiectasia (A-T); Cerebello-oculocutaneous telangiectasia; Immunodeficiency with ataxia telangiectasia; LOUIS-BAR SYNDROME; ATAXIA-TELANGIECTASIA, FRESNO VARIANT. Identifiers: Orphanet 100, MedGen C0004135, MONDO:0008840, OMIM 208900.

Submission:

Labcorp Genetics (formerly Invitae), Labcorp
Classification: Uncertain significance for Ataxia-telangiectasia syndrome. Last evaluated: 2022-12-30. Review status: criteria provided, single submitter. Criteria: Invitae Variant Classification Sherloc (09022015). Collection method: clinical testing. Allele origin: germline.
Comment: Algorithms developed to predict the effect of missense changes on protein structure and function (SIFT, PolyPhen-2, Align-GVGD) all suggest that this variant is likely to be disruptive. In summary, the available evidence is currently insufficient to determine the role of this variant in disease. Therefore, it has been classified as a Variant of Uncertain Significance. This variant has not been reported in the literature in individuals affected with ATM-related conditions. This variant is not present in population databases (gnomAD no frequency). This sequence change replaces tryptophan, which is neutral and slightly polar, with glycine, which is neutral and non-polar, at codon 579 of the ATM protein (p.Trp579Gly).

NM_000051.4(ATM):c.1735T>G (p.Trp579Gly)

Gene: ATM (ATM serine/threonine kinase; plus strand). Cytogenetic location: 11q22.3.
Variant type: single nucleotide variant.
Coding change: c.1735T>G on transcript NM_000051.4 (MANE Select); coding-DNA position 1735, T replaced by G.
Protein change: p.Trp579Gly; replaces tryptophan 579 with glycine.
Molecular consequence: missense variant.
Genome position (GRCh38, 1-based): chr11:108,251,964, T>G. VCF-style: chr11-108251964-T-G. GRCh37 (hg19) VCF-style: chr11-108122691-T-G.
Other names: c.1735T>G, p.Trp579Gly (NM_001351834.2); short protein forms W579G.
Identifiers: ClinVar variation 2825017 (VCV002825017.3), dbSNP rs1591527984, ClinGen allele CA382535316.